The following is an entry in ClinVar:

NM_207122.2(EXT2):c.1824T>A (p.Tyr608Ter)

Gene: EXT2 (exostosin glycosyltransferase 2; plus strand). Cytogenetic location: 11p11.2.
Variant type: single nucleotide variant.
Coding change: c.1824T>A on transcript NM_207122.2 (MANE Select); coding-DNA position 1824, T replaced by A.
Protein change: p.Tyr608Ter; replaces tyrosine 608 with a stop codon.
Molecular consequence: nonsense.
Genome position (GRCh38, 1-based): chr11:44,234,132, T>A. VCF-style: chr11-44234132-T-A. GRCh37 (hg19) VCF-style: chr11-44255682-T-A.
Other names: c.1923T>A, p.Tyr641Ter (NM_000401.3); c.1854T>A, p.Tyr618Ter (NM_001178083.3); c.1824T>A, p.Tyr608Ter (NM_001389628.1, NM_001389630.1); short protein forms Y641*, Y608*, Y618*.
Identifiers: ClinVar variation 1414023 (VCV001414023.6), dbSNP rs781083252, ClinGen allele CA5955371.

ClinVar aggregate classification (germline): Pathogenic (1 of 4 stars; one submission).

Conditions:
Exostoses, multiple, type 2 (EXT2). Also called: Hereditary Multiple Osteochondromatosis, Type II; EXOSTOSES, MULTIPLE, TYPE II. Identifiers: Orphanet 321, MedGen C1851413, MONDO:0007586, OMIM 133701.

Allele frequency attached by ClinVar (database versions not stated): gnomAD exomes below 0.00001; ExAC 0.00001; gnomAD 0.00001.
gnomAD v4.1: 2 of 1,613,984 alleles (0.00012%); highest among the groups gnomAD compares: Non-Finnish European, 0.00017%; no homozygotes.

Submission:

Labcorp Genetics (formerly Invitae), Labcorp
Classification: Pathogenic for Exostoses, multiple, type 2. Last evaluated: 2025-11-09. Review status: criteria provided, single submitter. Criteria: Invitae Variant Classification Sherloc (09022015). Collection method: clinical testing. Allele origin: germline.
Comment: This sequence change creates a premature translational stop signal (p.Tyr608*) in the EXT2 gene. It is expected to result in an absent or disrupted protein product. Loss-of-function variants in EXT2 are known to be pathogenic (PMID: 10679937, 19810120). This variant is present in population databases (rs781083252, gnomAD 0.002%). This variant has not been reported in the literature in individuals affected with EXT2-related conditions. ClinVar contains an entry for this variant (Variation ID: 1414023). For these reasons, this variant has been classified as Pathogenic.

Literature cited by the submitters: PubMed 10679937; PubMed 19810120.